The following is an entry in ClinVar:

NM_000540.3(RYR1):c.6284A>C (p.Gln2095Pro)

Gene: RYR1 (ryanodine receptor 1; plus strand). Cytogenetic location: 19q13.2.
Variant type: single nucleotide variant.
Coding change: c.6284A>C on transcript NM_000540.3 (MANE Select); coding-DNA position 6284, A replaced by C.
Protein change: p.Gln2095Pro; replaces glutamine 2095 with proline.
Molecular consequence: missense variant.
Genome position (GRCh38, 1-based): chr19:38,494,361, A>C. VCF-style: chr19-38494361-A-C. GRCh37 (hg19) VCF-style: chr19-38985001-A-C.
Other names: c.6284A>C, p.Gln2095Pro (NM_001042723.2); short protein forms Q2095P.
Identifiers: ClinVar variation 650748 (VCV000650748.11), dbSNP rs1369035565, ClinGen allele CA405663320.

ClinVar aggregate classification (germline): Uncertain significance. Review status: criteria provided, multiple submitters, no conflicts (2 of 4 stars). 2 submissions from 2 submitters: Uncertain significance (2). Last evaluated 2024-09-15.

Conditions:
RYR1-related disorder. Also called: RYR1-related condition; RYR1-related disorders. Identifiers: MedGen CN239331.
Congenital multicore myopathy with external ophthalmoplegia (CMYO1B). Also called: Minicore myopathy with external ophthalmoplegia; MULTIMINICORE DISEASE WITH EXTERNAL OPHTHALMOPLEGIA; Congenital myopathy 1B, autosomal recessive; Minicore myopathy; MULTICORE MYOPATHY. Identifiers: Orphanet 598, Orphanet 98905, MedGen C1850674, MONDO:0009712, OMIM 255320, HP:0003789.
Congenital myopathy with fiber type disproportion. Also called: Congenital fiber-type disproportion myopathy; Congenital fiber-type disproportion. Identifiers: Orphanet 2020, MedGen C0546264, MONDO:0009711. Inheritance: all.
Malignant hyperthermia, susceptibility to, 1 (MHS1). Also called: RYR1-Related Malignant Hyperthermia Susceptibility; Anesthesia related hyperthermia; Malignant hyperpyrexia; Fulminating hyperpyrexia; Pharmacogenic myopathy; Malignant hyperthermia suceptibility 1. Identifiers: Orphanet 423, MedGen C2930980, MONDO:0007783, OMIM 145600.
Central core myopathy (CMYO1A). Also called: Central core disease; Myopathy, central fibrillar; CONGENITAL MYOPATHY 1A, AUTOSOMAL DOMINANT, WITH SUSCEPTIBILITY TO MALIGNANT HYPERTHERMIA. Identifiers: Orphanet 597, MedGen C5830701, MONDO:0007294, OMIM 117000.
King Denborough syndrome (KDS). Identifiers: MedGen C1840365, MONDO:0020485, OMIM 619542.

Allele frequency attached by ClinVar (database versions not stated): gnomAD exomes below 0.00001 and 0.00001.
gnomAD v4.1: 8 of 1,611,468 alleles (0.0005%); highest among the groups gnomAD compares: African/African-American, 0.0013%; no homozygotes.

Submissions (2):

Labcorp Genetics (formerly Invitae), Labcorp
Classification: Uncertain significance for RYR1-related disorder. Last evaluated: 2024-09-15. Review status: criteria provided, single submitter. Criteria: Invitae Variant Classification Sherloc (09022015). Collection method: clinical testing. Allele origin: germline.
Comment: This sequence change replaces glutamine, which is neutral and polar, with proline, which is neutral and non-polar, at codon 2095 of the RYR1 protein (p.Gln2095Pro). This variant is present in population databases (no rsID available, gnomAD 0.007%). This variant has not been reported in the literature in individuals affected with RYR1-related conditions. ClinVar contains an entry for this variant (Variation ID: 650748). Invitae Evidence Modeling of protein sequence and biophysical properties (such as structural, functional, and spatial information, amino acid conservation, physicochemical variation, residue mobility, and thermodynamic stability) has been performed for this missense variant. However, the output from this modeling did not meet the statistical confidence thresholds required to predict the impact of this variant on RYR1 protein function. In summary, the available evidence is currently insufficient to determine the role of this variant in disease. Therefore, it has been classified as a Variant of Uncertain Significance.

Fulgent Genetics
Classification: Uncertain significance for Central core myopathy; Malignant hyperthermia, susceptibility to, 1; Congenital myopathy 4A, autosomal dominant; Congenital multicore myopathy with external ophthalmoplegia; King Denborough syndrome. Last evaluated: 2021-09-09. Review status: criteria provided, single submitter. Criteria: ACMG Guidelines, 2015. Collection method: clinical testing. Allele origin: unknown.